The following is an entry in ClinVar:

ClinVar aggregate classification (germline): Likely pathogenic (0 of 4 stars; one submission).

Conditions:
Deafness, X-linked 5 (DFNX5). Also called: DEAFNESS, X-LINKED 5, WITH PERIPHERAL NEUROPATHY; AUDITORY NEUROPATHY, X-LINKED, 1, WITH PERIPHERAL SENSORY NEUROPATHY. Identifiers: Orphanet 139583, MedGen C1845095, OMIM 300614.

Submission:

Deafness Gene Diagnosis, Xijing Hospital
Classification: Likely pathogenic for Deafness, X-linked 5. Review status: no assertion criteria provided. Collection method: clinical testing. Allele origin: unknown. Inheritance: X-linked inheritance. Affected: yes. Observed: 2 variant alleles, 2 homozygotes. Clinical features observed: auditory neuropathy.
Comment: missense mutation in conserved position, not detected in normal control (118 people), and Mutationtaster predicted as Disease Causing

NM_004208.4(AIFM1):c.1319C>T (p.Ala440Val)

Genes: AIFM1 (apoptosis inducing factor mitochondria associated 1; minus strand), RAB33A (RAB33A, member RAS oncogene family; plus strand). Cytogenetic location: Xq26.1.
Variant type: single nucleotide variant.
Coding change: c.1319C>T on transcript NM_004208.4 (MANE Select); coding-DNA position 1319, C replaced by T.
Protein change: p.Ala440Val; replaces alanine 440 with valine.
Molecular consequence: missense variant. On other transcripts: 3 prime UTR variant (1), non-coding transcript variant (1).
Genome position (GRCh38, 1-based): chrX:130,133,442, G>A on the plus strand (C>T on the coding strand, the complement: AIFM1 is on the minus strand). VCF-style: chrX-130133442-G-A. GRCh37 (hg19) VCF-style: chrX-129267417-G-A.
Other names: c.302C>T, p.Ala101Val (NM_001130846.4); c.*547C>T (NM_001130847.4); c.1307C>T, p.Ala436Val (NM_145812.3); short protein forms A440V, A101V, A436V.
Identifiers: ClinVar variation 162484 (VCV000162484.2), dbSNP rs724160025, ClinGen allele CA175076.